The following is an entry in ClinVar:

NM_025152.3(NUBPL):c.692C>T (p.Pro231Leu)

Gene: NUBPL (NUBP iron-sulfur cluster assembly factor, mitochondrial; plus strand). Cytogenetic location: 14q12.
Variant type: single nucleotide variant.
Coding change: c.692C>T on transcript NM_025152.3 (MANE Select); coding-DNA position 692, C replaced by T.
Protein change: p.Pro231Leu; replaces proline 231 with leucine.
Molecular consequence: missense variant. On other transcripts: non-coding transcript variant (1).
Genome position (GRCh38, 1-based): chr14:31,826,713, C>T. VCF-style: chr14-31826713-C-T. GRCh37 (hg19) VCF-style: chr14-32295919-C-T.
Other names: c.404C>T, p.Pro135Leu (NM_001201573.2); c.143C>T, p.Pro48Leu (NM_001201574.2); short protein forms P135L, P231L, P48L.
Identifiers: ClinVar variation 3906760 (VCV003906760.1).

ClinVar aggregate classification (germline): Uncertain significance (1 of 4 stars; one submission).

gnomAD v4.1: 4 of 1,613,466 alleles (0.00025%); highest among the groups gnomAD compares: African/African-American, 0.0053%; no homozygotes.

Submission:

GeneDx
Classification: Uncertain significance. Last evaluated: 2024-12-18. Review status: criteria provided, single submitter. Criteria: GeneDx Variant Classification Process June 2021. Collection method: clinical testing. Allele origin: germline. Affected: yes.
Comment: Not observed at significant frequency in large population cohorts (gnomAD); In silico analysis supports that this missense variant has a deleterious effect on protein structure/function; Has not been previously published as pathogenic or benign to our knowledge